The following is an entry in ClinVar:

ClinVar aggregate classification (germline): Uncertain significance (1 of 4 stars; one submission).

Submission:

GeneDx
Classification: Uncertain significance. Last evaluated: 2025-08-12. Review status: criteria provided, single submitter. Criteria: GeneDx Variant Classification Process June 2021. Collection method: clinical testing. Allele origin: germline. Affected: yes.
Comment: Not observed at significant frequency in large population cohorts (gnomAD); In silico analysis supports that this missense variant has a deleterious effect on protein structure/function; Has not been previously published as pathogenic or benign to our knowledge

NM_001040716.2(PC):c.787C>G (p.Arg263Gly)

Gene: PC (pyruvate carboxylase; minus strand). Cytogenetic location: 11q13.2.
Variant type: single nucleotide variant.
Coding change: c.787C>G on transcript NM_001040716.2 (MANE Select); coding-DNA position 787, C replaced by G.
Protein change: p.Arg263Gly; replaces arginine 263 with glycine.
Molecular consequence: missense variant.
Genome position (GRCh38, 1-based): chr11:66,870,418, G>C on the plus strand (C>G on the coding strand, the complement: PC is on the minus strand). VCF-style: chr11-66870418-G-C. GRCh37 (hg19) VCF-style: chr11-66637889-G-C.
Other names: c.787C>G, p.Arg263Gly (NM_001439358.1, NM_001439359.1, NM_022172.3 and 5 more transcripts); short protein forms R263G.
Identifiers: ClinVar variation 4795617 (VCV004795617.1).